The following is an entry in ClinVar:

ClinVar aggregate classification (germline): Uncertain significance. Review status: criteria provided, multiple submitters, no conflicts (2 of 4 stars). 2 submissions from 2 submitters: Uncertain significance (2). Last evaluated 2024-05-23.

Conditions:
Inborn genetic diseases. Identifiers: MedGen C0950123, MeSH D030342.

Allele frequency attached by ClinVar (database versions not stated): gnomAD 0.00001; ExAC 0.00002; gnomAD exomes 0.00002; TOPMed 0.00010.
gnomAD v4.1: 13 of 1,613,906 alleles (0.00081%); highest among the groups gnomAD compares: Non-Finnish European, 0.00093%; no homozygotes.

Submissions (2):

Ambry Genetics
Classification: Uncertain significance for Inborn genetic diseases. Last evaluated: 2024-05-23. Review status: criteria provided, single submitter. Criteria: Ambry Variant Classification Scheme 2023. Collection method: clinical testing. Allele origin: germline.

GeneDx
Classification: Uncertain significance. Last evaluated: 2023-06-26. Review status: criteria provided, single submitter. Criteria: GeneDx Variant Classification Process June 2021. Collection method: clinical testing. Allele origin: germline. Affected: yes.
Comment: Has not been previously published as pathogenic or benign to our knowledge; Not observed at significant frequency in large population cohorts (gnomAD); In silico analysis supports that this missense variant does not alter protein structure/function

NM_003922.4(HERC1):c.7218G>A (p.Met2406Ile)

Gene: HERC1 (HECT and RLD domain containing E3 ubiquitin protein ligase family member 1; minus strand). Cytogenetic location: 15q22.31.
Variant type: single nucleotide variant.
Coding change: c.7218G>A on transcript NM_003922.4 (MANE Select); coding-DNA position 7218, G replaced by A.
Protein change: p.Met2406Ile; replaces methionine 2406 with isoleucine.
Molecular consequence: missense variant.
Genome position (GRCh38, 1-based): chr15:63,674,970, C>T on the plus strand (G>A on the coding strand, the complement: HERC1 is on the minus strand). VCF-style: chr15-63674970-C-T. GRCh37 (hg19) VCF-style: chr15-63967169-C-T.
Other names: short protein forms M2406I.
Identifiers: ClinVar variation 2506771 (VCV002506771.2), dbSNP rs747465689, ClinGen allele CA7605190.
Genomic context (GRCh38, chr15:63,674,970, plus strand): 5'-CCCTTTCTCCTCGGATTCATGTCGGTGTTTCTTTTCATGTCGTTTGGTGCTCTGTTTGCC[C>T]ATGTCTTCATGAACGCCAGTGAGATATGTTAGGTCCAGCAGCACAGAAGCCGTCAGGCCT-3'
Protein context (NP_003913.3, residues 2396-2416): LTYLTGVHED[Met2406Ile]GKQSTKRHEK